The following is an entry in ClinVar:

NM_001134407.3(GRIN2A):c.900C>T (p.Thr300=)

Gene: GRIN2A (glutamate ionotropic receptor NMDA type subunit 2A; minus strand). Cytogenetic location: 16p13.2.
Variant type: single nucleotide variant.
Coding change: c.900C>T on transcript NM_001134407.3 (MANE Select); coding-DNA position 900, C replaced by T.
Protein change: p.Thr300=; no amino-acid change (threonine 300 retained).
Molecular consequence: synonymous variant.
Genome position (GRCh38, 1-based): chr16:9,938,066, G>A on the plus strand (C>T on the coding strand, the complement: GRIN2A is on the minus strand). VCF-style: chr16-9938066-G-A. GRCh37 (hg19) VCF-style: chr16-10031923-G-A.
Other names: p.T300T:ACC>ACT; c.900C>T, p.Thr300= (NM_000833.5, NM_001134408.2).
Identifiers: ClinVar variation 137505 (VCV000137505.26), dbSNP rs143669998, ClinGen allele CA291114.

ClinVar aggregate classification (germline): Benign/Likely benign. Review status: criteria provided, multiple submitters, no conflicts (2 of 4 stars). 7 submissions from 7 submitters: Benign (4); Likely benign (3). Last evaluated 2026-02-01.

Conditions:
Inborn genetic diseases. Identifiers: MedGen C0950123, MeSH D030342.
Landau-Kleffner syndrome (FESD). Also called: APHASIA, ACQUIRED, WITH EPILEPSY; EPILEPSY, FOCAL, WITH SPEECH DISORDER AND WITH OR WITHOUT MENTAL RETARDATION. Identifiers: Orphanet 1945, Orphanet 725, Orphanet 98818, MedGen C0282512, MONDO:0009509, OMIM 245570.

Allele frequency attached by ClinVar (database versions not stated): ExAC 0.00034; 1000 Genomes Project 0.00100; ESP Exome Variant Server 0.00108; 1000 Genomes Project 30x 0.00109; gnomAD 0.00123 and 0.00133; TOPMed 0.00154.
gnomAD v4.1: 366 of 1,614,038 alleles (0.023%); highest among the groups gnomAD compares: African/African-American, 0.46%; 3 homozygotes.

Submissions (7):

CeGaT Center for Human Genetics Tuebingen
Classification: Likely benign. Last evaluated: 2026-02-01. Review status: criteria provided, single submitter. Criteria: CeGaT Center For Human Genetics Tuebingen Variant Classification Criteria Version 2. Collection method: clinical testing. Allele origin: germline. Affected: yes. Observed: 1 variant allele.
Comment: GRIN2A: BP4, BP7

Labcorp Genetics (formerly Invitae), Labcorp
Classification: Benign for Landau-Kleffner syndrome. Last evaluated: 2025-12-29. Review status: criteria provided, single submitter. Criteria: Invitae Variant Classification Sherloc (09022015). Collection method: clinical testing. Allele origin: germline.

Blueprint Genetics
Classification: Benign. Last evaluated: 2024-07-19. Review status: criteria provided, single submitter. Criteria: ACMG Guidelines, 2015. Collection method: clinical testing. Allele origin: germline.

Illumina Laboratory Services, Illumina
Classification: Benign for Landau-Kleffner syndrome. Last evaluated: 2018-01-12. Review status: criteria provided, single submitter. Criteria: ICSL Variant Classification Criteria 13 December 2019. Collection method: clinical testing. Allele origin: germline.
Comment: This variant was observed in the ICSL laboratory as part of a predisposition screen in an ostensibly healthy population. It had not been previously curated by ICSL or reported in the Human Gene Mutation Database (HGMD: prior to June 1st, 2018), and was therefore a candidate for classification through an automated scoring system. Utilizing variant allele frequency, disease prevalence and penetrance estimates, and inheritance mode, an automated score was calculated to assess if this variant is too frequent to cause the disease. Based on the score and internal cut-off values, a variant classified as benign is not then subjected to further curation. The score for this variant resulted in a classification of benign for this disease.

Ambry Genetics
Classification: Likely benign for Inborn genetic diseases. Last evaluated: 2016-05-09. Review status: criteria provided, single submitter. Criteria: Ambry Variant Classification Scheme 2023. Collection method: clinical testing. Allele origin: germline.

GeneDx
Classification: Benign. Last evaluated: 2014-02-04. Review status: criteria provided, single submitter. Criteria: GeneDx Variant Classification (06012015). Collection method: clinical testing. Allele origin: germline. Affected: yes.
Comment: This variant is considered likely benign or benign based on one or more of the following criteria: it is a conservative change, it occurs at a poorly conserved position in the protein, it is predicted to be benign by multiple in silico algorithms, and/or has population frequency not consistent with disease.

Breakthrough Genomics
Classification: Likely benign. Review status: criteria provided, single submitter. Criteria: ACMG Guidelines, 2015. Collection method: not provided. Allele origin: germline. Inheritance: Autosomal dominant inheritance. Affected: yes.